The following is an entry in ClinVar:

ClinVar aggregate classification (germline): Uncertain significance (1 of 4 stars; one submission).

Allele frequency attached by ClinVar (database versions not stated): ExAC 0.00001.
gnomAD v4.1: 2 of 1,613,948 alleles (0.00012%); highest among the groups gnomAD compares: Non-Finnish European, 0.00017%; no homozygotes.

Submission:

Labcorp Genetics (formerly Invitae), Labcorp
Classification: Uncertain significance. Last evaluated: 2022-05-09. Review status: criteria provided, single submitter. Criteria: Invitae Variant Classification Sherloc (09022015). Collection method: clinical testing. Allele origin: germline.
Comment: This sequence change replaces leucine, which is neutral and non-polar, with phenylalanine, which is neutral and non-polar, at codon 608 of the CEP250 protein (p.Leu608Phe). This variant is present in population databases (rs777783728, gnomAD 0.0009%). This variant has not been reported in the literature in individuals affected with CEP250-related conditions. Algorithms developed to predict the effect of missense changes on protein structure and function are either unavailable or do not agree on the potential impact of this missense change (SIFT: "Not Available"; PolyPhen-2: "Probably Damaging"; Align-GVGD: "Not Available"). In summary, the available evidence is currently insufficient to determine the role of this variant in disease. Therefore, it has been classified as a Variant of Uncertain Significance.

NM_007186.6(CEP250):c.1824G>C (p.Leu608Phe)

Genes: CEP250 (centrosomal protein 250; plus strand), CEP250-AS1 (CEP250 antisense RNA 1; minus strand). Cytogenetic location: 20q11.22.
Variant type: single nucleotide variant.
Coding change: c.1824G>C on transcript NM_007186.6 (MANE Select); coding-DNA position 1824, G replaced by C.
Protein change: p.Leu608Phe; replaces leucine 608 with phenylalanine.
Molecular consequence: missense variant. On other transcripts: 5 prime UTR variant (1).
Genome position (GRCh38, 1-based): chr20:35,476,556, G>C. VCF-style: chr20-35476556-G-C. GRCh37 (hg19) VCF-style: chr20-34064381-G-C.
Other names: c.-76G>C (NM_001318219.1); short protein forms L608F.
Identifiers: ClinVar variation 1960991 (VCV001960991.5), dbSNP rs777783728, ClinGen allele CA9833034.